The following is an entry in ClinVar:

ClinVar aggregate classification (germline): Uncertain significance (1 of 4 stars; one submission).

Conditions:
Hereditary cancer-predisposing syndrome. Also called: Neoplastic Syndromes, Hereditary; Tumor predisposition; Hereditary neoplastic syndrome; Hereditary Cancer Syndrome. Identifiers: Orphanet 140162, MedGen C0027672, MeSH D009386, MONDO:0015356.

Submission:

Ambry Genetics
Classification: Uncertain significance for Hereditary cancer-predisposing syndrome. Last evaluated: 2026-07-28. Review status: criteria provided, single submitter. Criteria: Ambry Variant Classification Scheme 2023. Collection method: clinical testing. Allele origin: germline.
Comment: The p.K451Q variant (also known as c.1351A>C), located in coding exon 13 of the BAP1 gene, results from an A to C substitution at nucleotide position 1351. The lysine at codon 451 is replaced by glutamine, an amino acid with similar properties. This amino acid position is conserved. In addition, this alteration is predicted to be tolerated by in silico analysis. Based on the available evidence, the clinical significance of this variant remains unclear.

NM_004656.4(BAP1):c.1351A>C (p.Lys451Gln)

Gene: BAP1 (BRCA1 associated deubiquitinase 1; minus strand). Cytogenetic location: 3p21.1.
Variant type: single nucleotide variant.
Coding change: c.1351A>C on transcript NM_004656.4 (MANE Select); coding-DNA position 1351, A replaced by C.
Protein change: p.Lys451Gln; replaces lysine 451 with glutamine.
Molecular consequence: missense variant.
Genome position (GRCh38, 1-based): chr3:52,403,794, T>G on the plus strand (A>C on the coding strand, the complement: BAP1 is on the minus strand). VCF-style: chr3-52403794-T-G. GRCh37 (hg19) VCF-style: chr3-52437810-T-G.
Other names: c.1297A>C, p.Lys433Gln (NM_001410772.1); short protein forms K433Q, K451Q.
Identifiers: ClinVar variation 5032744 (VCV005032744.1).